The following is an entry in ClinVar:

NM_005141.5(FGB):c.1181dup (p.Asn394fs)

Gene: FGB (fibrinogen beta chain; plus strand). Cytogenetic location: 4q31.3.
Variant type: Duplication.
Coding change: c.1181dup on transcript NM_005141.5 (MANE Select); coding-DNA position 1181, one base duplicated (A; older notation c.1181dupA).
Protein change: p.Asn394fs; shifts the reading frame from asparagine 394.
Molecular consequence: frameshift variant. On other transcripts: intron variant (1).
Genome position (GRCh38, 1-based): chr4:154,569,736, A duplicated; the last of 4 consecutive A bases (chr4:154,569,733-154,569,736); duplicating any one gives the same sequence. VCF-style (leftmost placement, unchanged base first): chr4-154569732-G-GA. GRCh37 (hg19) VCF-style: chr4-155490884-G-GA.
Other names: c.1004dup, p.Asn335fs (NM_001184741.1); c.1049dup, p.Asn350fs (NM_001382759.1); c.1181dup, p.Asn394fs (NM_001382760.1, NM_001382761.1, NM_001382765.1); c.881dup, p.Asn294fs (NM_001382762.1); c.1172dup, p.Asn391fs (NM_001382763.1); c.1081-37dup (NM_001382764.1); c.1181dupA (NM_005141.5); short protein forms N294fs, N335fs, N350fs, N391fs, N394fs.
Identifiers: ClinVar variation 3336087 (VCV003336087.1).

ClinVar aggregate classification (germline): Uncertain significance (1 of 4 stars; one submission).

Submission:

Women's Health and Genetics/Laboratory Corporation of America, LabCorp
Classification: Uncertain significance. Last evaluated: 2024-05-08. Review status: criteria provided, single submitter. Criteria: LabCorp Variant Classification Summary - May 2015. Collection method: clinical testing. Allele origin: germline.
Comment: Variant summary: FGB c.1181dupA (p.Asn394LysfsX16) results in a premature termination codon and is predicted to cause a truncation of the encoded protein but is not expected to result in an absence of the protein due to nonsense mediated decay. The variant was absent in 251130 control chromosomes. The available data on variant occurrences in the general population are insufficient to allow any conclusion about variant significance. To our knowledge, no occurrence of c.1181dupA in individuals affected with Congenital Afibrinogenemia or Congenital Dysfibrinogenemia and no experimental evidence demonstrating its impact on protein function have been reported. No submitters have cited clinical-significance assessments for this variant to ClinVar. Based on the evidence outlined above, the variant was classified as uncertain significance.